The following is an entry in ClinVar:

ClinVar aggregate classification (germline): Uncertain significance (1 of 4 stars; one submission).

Submission:

Labcorp Genetics (formerly Invitae), Labcorp
Classification: Uncertain significance. Last evaluated: 2025-11-08. Review status: criteria provided, single submitter. Criteria: Invitae Variant Classification Sherloc (09022015). Collection method: clinical testing. Allele origin: germline.
Comment: This sequence change falls in intron 3 of the SPTA1 gene. It does not directly change the encoded amino acid sequence of the SPTA1 protein. It affects a nucleotide within the consensus splice site. This variant is not present in population databases (gnomAD no frequency). This variant has not been reported in the literature in individuals affected with SPTA1-related conditions. Variants that disrupt the consensus splice site are a relatively common cause of aberrant splicing (PMID: 17576681, 9536098). Algorithms developed to predict the effect of sequence changes on RNA splicing suggest that this variant may disrupt the consensus splice site. In summary, the available evidence is currently insufficient to determine the role of this variant in disease. Therefore, it has been classified as a Variant of Uncertain Significance.

Literature cited by the submitters: PubMed 17576681; PubMed 9536098.

NM_003126.4(SPTA1):c.390+3A>G

Gene: SPTA1 (spectrin alpha, erythrocytic 1; minus strand). Cytogenetic location: 1q23.1.
Variant type: single nucleotide variant.
Coding change: c.390+3A>G on transcript NM_003126.4 (MANE Select); 3 bases into the intron after coding-DNA position 390, A replaced by G.
Molecular consequence: intron variant.
Genome position (GRCh38, 1-based): chr1:158,683,368, T>C on the plus strand (A>G on the coding strand, the complement: SPTA1 is on the minus strand). VCF-style: chr1-158683368-T-C. GRCh37 (hg19) VCF-style: chr1-158653158-T-C.
Identifiers: ClinVar variation 4763140 (VCV004763140.1).
Genomic context (GRCh38, chr1:158,683,368, plus strand): 5'-TCAGTTAAAACCCTGATAACATAATCAATAATTGGAAACTTCTTCAAGGGCCCATACATA[T>C]ACCTTCGTTTCTTCGTGGGCAGAATGACCCATGGTAAATCGTTCTTCCCTTGTTTTTTCC-3'